The following is an entry in ClinVar:

NM_000334.4(SCN4A):c.722G>T (p.Gly241Val)

Gene: SCN4A (sodium voltage-gated channel alpha subunit 4; minus strand). Cytogenetic location: 17q23.3.
Variant type: single nucleotide variant.
Coding change: c.722G>T on transcript NM_000334.4 (MANE Select); coding-DNA position 722, G replaced by T.
Protein change: p.Gly241Val; replaces glycine 241 with valine.
Molecular consequence: missense variant.
Genome position (GRCh38, 1-based): chr17:63,968,337, C>A on the plus strand (G>T on the coding strand, the complement: SCN4A is on the minus strand). VCF-style: chr17-63968337-C-A. GRCh37 (hg19) VCF-style: chr17-62045697-C-A.
Other names: short protein forms G241V.
Identifiers: ClinVar variation 4698305 (VCV004698305.1).

ClinVar aggregate classification (germline): Uncertain significance (1 of 4 stars; one submission).

Conditions:
Hyperkalemic periodic paralysis. Also called: Familial hyperkalemic periodic paralysis; Gamstorp disease. Identifiers: Orphanet 682, MedGen C0238357, MONDO:0008224, OMIM 170500, HP:0007215.

Submission:

Labcorp Genetics (formerly Invitae), Labcorp
Classification: Uncertain significance for Hyperkalemic periodic paralysis. Last evaluated: 2026-02-01. Review status: criteria provided, single submitter. Criteria: Invitae Variant Classification Sherloc (09022015). Collection method: clinical testing. Allele origin: germline.
Comment: This sequence change replaces glycine, which is neutral and non-polar, with valine, which is neutral and non-polar, at codon 241 of the SCN4A protein (p.Gly241Val). This variant is not present in population databases (gnomAD no frequency). This missense change has been observed in individual(s) with autosomal dominant SCN4A-related conditions (PMID: 32411069). Invitae Evidence Modeling of protein sequence and biophysical properties (such as structural, functional, and spatial information, amino acid conservation, physicochemical variation, residue mobility, and thermodynamic stability) indicates that this missense variant is expected to disrupt SCN4A protein function with a positive predictive value of 80%. Experimental studies have shown that this missense change affects SCN4A function (PMID: 32411069). In summary, the available evidence is currently insufficient to determine the role of this variant in disease. Therefore, it has been classified as a Variant of Uncertain Significance.

Literature cited by the submitters: PubMed 32411069.